The following is an entry in ClinVar:

NM_052845.4(MMAB):c.598delinsTT (p.Val200fs)

Gene: MMAB (metabolism of cobalamin associated B; minus strand). Cytogenetic location: 12q24.11.
Variant type: Indel.
Coding change: c.598delinsTT on transcript NM_052845.4 (MANE Select); coding-DNA position 598, G replaced by TT.
Protein change: p.Val200fs; shifts the reading frame from valine 200.
Molecular consequence: frameshift variant. On other transcripts: non-coding transcript variant (1).
Genome position (GRCh38, 1-based): chr12:109,559,142, C replaced by AA on the plus strand (G replaced by TT on the coding strand, the reverse complement: MMAB is on the minus strand). VCF-style: chr12-109559142-C-AA. GRCh37 (hg19) VCF-style: chr12-109996947-C-AA.
Other names: short protein forms V200fs.
Identifiers: ClinVar variation 4081734 (VCV004081734.1).

ClinVar aggregate classification (germline): Pathogenic (1 of 4 stars; one submission).

Conditions:
Methylmalonic aciduria, cblB type (MACB). Also called: Methylmalonic acidemia cblB type; Vitamin B12-responsive methylmalonic acidemia type cblB; METHYLMALONIC ACIDURIA, VITAMIN B12-RESPONSIVE, DUE TO DEFECT IN SYNTHESIS OF ADENOSYLCOBALAMIN, cblB TYPE. Identifiers: Orphanet 28, Orphanet 79311, MedGen C1855102, MONDO:0009614, OMIM 251110.

Submission:

Myriad Genetics, Inc.
Classification: Pathogenic for Methylmalonic aciduria, cblB type. Last evaluated: 2025-07-02. Review status: criteria provided, single submitter. Criteria: Myriad Autosomal Dominant, Autosomal Recessive and X-Linked Classification Criteria (2023). Collection method: clinical testing. Allele origin: unknown.
Comment: NM_052845.3(MMAB):c.598delGinsTT(V200Ffs*19) is a frameshift variant classified as pathogenic in the context of methylmalonic acidemia, cblB type. V200Ffs*19 has not been observed in cases with relevant disease. Relevant functional assessments of this variant are not available in the literature. V200Ffs*19 has not been observed in referenced population frequency databases. In summary, NM_052845.3(MMAB):c.598delGinsTT(V200Ffs*19) is a frameshift variant in a gene where loss of function is a known mechanism of disease and is predicted to disrupt protein function. Please note: this variant was assessed in the context of healthy population screening.